The following is an entry in ClinVar:

ClinVar aggregate classification (germline): Uncertain significance. Review status: criteria provided, multiple submitters, no conflicts (2 of 4 stars). 3 submissions from 3 submitters: Uncertain significance (2). 1 of the submissions does not count toward it. Last evaluated 2025-04-29.

Conditions:
Usher syndrome type 2A. Also called: RETINAL DISEASE IN USHER SYNDROME TYPE IIA, MODIFIER OF; USHER SYNDROME, TYPE IIA. Identifiers: Orphanet 231178, Orphanet 886, MedGen C1848634, MONDO:0010169, OMIM 276901.

Allele frequency attached by ClinVar (database versions not stated): TOPMed below 0.00001; ExAC 0.00002; gnomAD exomes 0.00002; ESP Exome Variant Server 0.00008.
gnomAD v4.1: 28 of 1,613,300 alleles (0.0017%); highest among the groups gnomAD compares: Middle Eastern, 0.017%; no homozygotes.

Submissions (3):

Labcorp Genetics (formerly Invitae), Labcorp
Classification: Uncertain significance. Last evaluated: 2025-04-29. Review status: criteria provided, single submitter. Criteria: Invitae Variant Classification Sherloc (09022015). Collection method: clinical testing. Allele origin: germline.
Comment: This sequence change replaces arginine, which is basic and polar, with cysteine, which is neutral and slightly polar, at codon 189 of the USH2A protein (p.Arg189Cys). This variant is present in population databases (rs370653547, gnomAD 0.003%). This variant has not been reported in the literature in individuals affected with USH2A-related conditions. ClinVar contains an entry for this variant (Variation ID: 939865). An algorithm developed to predict the effect of missense changes on protein structure and function outputs the following: PolyPhen-2: "Probably Damaging". The cysteine amino acid residue is found in multiple mammalian species, which suggests that this missense change does not adversely affect protein function. In summary, the available evidence is currently insufficient to determine the role of this variant in disease. Therefore, it has been classified as a Variant of Uncertain Significance.

Blueprint Genetics
Classification: Uncertain significance. Last evaluated: 2023-05-09. Review status: criteria provided, single submitter. Criteria: ACMG Guidelines, 2015. Collection method: clinical testing. Allele origin: germline.

Natera, Inc.
Classification: Uncertain significance for Usher syndrome type 2A. Last evaluated: 2020-02-13. Review status: no assertion criteria provided. Collection method: clinical testing. Allele origin: germline. Not counted in ClinVar's aggregate classification.

NM_206933.4(USH2A):c.565C>T (p.Arg189Cys)

Gene: USH2A (usherin; minus strand). Cytogenetic location: 1q41.
Variant type: single nucleotide variant.
Coding change: c.565C>T on transcript NM_206933.4 (MANE Select); coding-DNA position 565, C replaced by T.
Protein change: p.Arg189Cys; replaces arginine 189 with cysteine.
Molecular consequence: missense variant.
Genome position (GRCh38, 1-based): chr1:216,418,600, G>A on the plus strand (C>T on the coding strand, the complement: USH2A is on the minus strand). VCF-style: chr1-216418600-G-A. GRCh37 (hg19) VCF-style: chr1-216591942-G-A.
Other names: c.565C>T, p.Arg189Cys (NM_007123.6); short protein forms R189C.
Identifiers: ClinVar variation 939865 (VCV000939865.6), dbSNP rs370653547, ClinGen allele CA1396752.